The following is an entry in ClinVar:

NM_000064.4(C3):c.85A>G (p.Ile29Val)

Gene: C3 (complement C3; minus strand). Cytogenetic location: 19p13.3.
Variant type: single nucleotide variant.
Coding change: c.85A>G on transcript NM_000064.4 (MANE Select); coding-DNA position 85, A replaced by G.
Protein change: p.Ile29Val; replaces isoleucine 29 with valine.
Molecular consequence: missense variant.
Genome position (GRCh38, 1-based): chr19:6,719,393, T>C on the plus strand (A>G on the coding strand, the complement: C3 is on the minus strand). VCF-style: chr19-6719393-T-C. GRCh37 (hg19) VCF-style: chr19-6719404-T-C.
Other names: short protein forms I29V.
Identifiers: ClinVar variation 1523453 (VCV001523453.7), dbSNP rs1420892330, ClinGen allele CA403646321.

ClinVar aggregate classification (germline): Uncertain significance. Review status: criteria provided, multiple submitters, no conflicts (2 of 4 stars). 2 submissions from 2 submitters: Uncertain significance (2). Last evaluated 2024-01-09.

Conditions:
Age related macular degeneration 9. Identifiers: MedGen C1969651, MONDO:0012659, OMIM 611378.
Atypical hemolytic-uremic syndrome with C3 anomaly. Also called: AHUS, SUSCEPTIBILITY TO, 5. Identifiers: Orphanet 2134, MedGen C2752037, MONDO:0013043, OMIM 612925.
Complement component 3 deficiency. Identifiers: Orphanet 280133, MedGen C3151071, MONDO:0013417, OMIM 613779.

Allele frequency attached by ClinVar (database versions not stated): gnomAD exomes below 0.00001 and 0.00001.

Submissions (2):

Fulgent Genetics
Classification: Uncertain significance for Age related macular degeneration 9; Atypical hemolytic-uremic syndrome with C3 anomaly; Complement component 3 deficiency. Last evaluated: 2024-01-09. Review status: criteria provided, single submitter. Criteria: ACMG Guidelines, 2015. Collection method: clinical testing. Allele origin: germline.

Labcorp Genetics (formerly Invitae), Labcorp
Classification: Uncertain significance. Last evaluated: 2021-08-17. Review status: criteria provided, single submitter. Criteria: Invitae Variant Classification Sherloc (09022015). Collection method: clinical testing. Allele origin: germline.
Comment: In summary, the available evidence is currently insufficient to determine the role of this variant in disease. Therefore, it has been classified as a Variant of Uncertain Significance. Algorithms developed to predict the effect of missense changes on protein structure and function (SIFT, PolyPhen-2, Align-GVGD) all suggest that this variant is likely to be tolerated. This variant has not been reported in the literature in individuals affected with C3-related conditions. This variant is not present in population databases (ExAC no frequency). This sequence change replaces isoleucine with valine at codon 29 of the C3 protein (p.Ile29Val). The isoleucine residue is highly conserved and there is a small physicochemical difference between isoleucine and valine.